The following is an entry in ClinVar:

ClinVar aggregate classification (germline): Uncertain significance (1 of 4 stars; one submission).

Submission:

Labcorp Genetics (formerly Invitae), Labcorp
Classification: Uncertain significance. Last evaluated: 2025-09-23. Review status: criteria provided, single submitter. Criteria: Invitae Variant Classification Sherloc (09022015). Collection method: clinical testing. Allele origin: germline.
Comment: This sequence change replaces glutamic acid, which is acidic and polar, with aspartic acid, which is acidic and polar, at codon 358 of the MTOR protein (p.Glu358Asp). This variant is not present in population databases (gnomAD no frequency). This variant has not been reported in the literature in individuals affected with MTOR-related conditions. Invitae Evidence Modeling of protein sequence and biophysical properties (such as structural, functional, and spatial information, amino acid conservation, physicochemical variation, residue mobility, and thermodynamic stability) indicates that this missense variant is not expected to disrupt MTOR protein function with a negative predictive value of 95%. In summary, the available evidence is currently insufficient to determine the role of this variant in disease. Therefore, it has been classified as a Variant of Uncertain Significance.

NM_004958.4(MTOR):c.1074G>C (p.Glu358Asp)

Gene: MTOR (mechanistic target of rapamycin kinase; minus strand). Cytogenetic location: 1p36.22.
Variant type: single nucleotide variant.
Coding change: c.1074G>C on transcript NM_004958.4 (MANE Select); coding-DNA position 1074, G replaced by C.
Protein change: p.Glu358Asp; replaces glutamic acid 358 with aspartic acid.
Molecular consequence: missense variant. On other transcripts: 5 prime UTR variant (1).
Genome position (GRCh38, 1-based): chr1:11,247,861, C>G on the plus strand (G>C on the coding strand, the complement: MTOR is on the minus strand). VCF-style: chr1-11247861-C-G. GRCh37 (hg19) VCF-style: chr1-11307918-C-G.
Other names: c.1074G>C, p.Glu358Asp (NM_001386500.1); c.-66G>C (NM_001386501.1); short protein forms E358D.
Identifiers: ClinVar variation 4799851 (VCV004799851.1).